The following is an entry in ClinVar:

ClinVar aggregate classification (germline): Uncertain significance (1 of 4 stars; one submission).

Submission:

Labcorp Genetics (formerly Invitae), Labcorp
Classification: Uncertain significance. Last evaluated: 2024-05-07. Review status: criteria provided, single submitter. Criteria: Invitae Variant Classification Sherloc (09022015). Collection method: clinical testing. Allele origin: germline.
Comment: This sequence change replaces glycine, which is neutral and non-polar, with aspartic acid, which is acidic and polar, at codon 979 of the COL11A2 protein (p.Gly979Asp). This variant is not present in population databases (gnomAD no frequency). This variant has not been reported in the literature in individuals affected with COL11A2-related conditions. Advanced modeling of protein sequence and biophysical properties (such as structural, functional, and spatial information, amino acid conservation, physicochemical variation, residue mobility, and thermodynamic stability) performed at Invitae indicates that this missense variant is expected to disrupt COL11A2 protein function with a positive predictive value of 95%. In summary, the available evidence is currently insufficient to determine the role of this variant in disease. Therefore, it has been classified as a Variant of Uncertain Significance.

NM_080680.3(COL11A2):c.2936G>A (p.Gly979Asp)

Gene: COL11A2 (collagen type XI alpha 2 chain; minus strand). Cytogenetic location: 6p21.32.
Variant type: single nucleotide variant.
Coding change: c.2936G>A on transcript NM_080680.3 (MANE Select); coding-DNA position 2936, G replaced by A.
Protein change: p.Gly979Asp; replaces glycine 979 with aspartic acid.
Molecular consequence: missense variant.
Genome position (GRCh38, 1-based): chr6:33,172,341, C>T on the plus strand (G>A on the coding strand, the complement: COL11A2 is on the minus strand). VCF-style: chr6-33172341-C-T. GRCh37 (hg19) VCF-style: chr6-33140118-C-T.
Other names: c.2756G>A, p.Gly919Asp (NM_001424108.1); c.2090G>A, p.Gly697Asp (NM_001424109.1); c.1910G>A, p.Gly637Asp (NM_001424110.1, NM_001424111.1); c.890G>A, p.Gly297Asp (NM_001424112.1); c.2615G>A, p.Gly872Asp (NM_080679.3); c.2678G>A, p.Gly893Asp (NM_080681.3); short protein forms G297D, G637D, G979D, G697D, G872D, G893D, G919D.
Identifiers: ClinVar variation 3635249 (VCV003635249.2).
Genomic context (GRCh38, chr6:33,172,341, plus strand): 5'-ACACTCACAGCAGTGCCTGGGAGGCCTCTCTCTCCTGGGAATCCCCTCAGACCAGCAGGA[C>T]CATCCTTCCCTGGGGCCCCAGGGGGACCAGGGTCACCCTAAAAGGAAAGGAGAGGTGATG-3'
Protein context (NP_542411.2, residues 969-989): PGPPGAPGKD[Gly979Asp]PAGLRGFPGE